The following is an entry in ClinVar:

ClinVar aggregate classification (germline): Likely benign (1 of 4 stars; one submission).

Conditions:
BPTF-related disorder. Also called: BPTF-related condition.

gnomAD v4.1: 9 of 1,612,242 alleles (0.00056%); highest among the groups gnomAD compares: Admixed American, 0.013%; no homozygotes.

Submission:

PreventionGenetics, part of Exact Sciences
Classification: Likely benign for BPTF-related condition. Last evaluated: 2025-10-22. Review status: criteria provided, single submitter. Criteria: ACMG Guidelines, 2015. Collection method: clinical testing. Allele origin: germline.
Comment: This variant is classified as likely benign based on ACMG/AMP sequence variant interpretation guidelines (Richards et al. 2015 PMID: 25741868, with internal and published modifications).

NM_182641.4(BPTF):c.2343A>G (p.Arg781=)

Gene: BPTF (bromodomain PHD finger transcription factor; plus strand). Cytogenetic location: 17q24.2.
Variant type: single nucleotide variant.
Coding change: c.2343A>G on transcript NM_182641.4 (MANE Select); coding-DNA position 2343, A replaced by G.
Protein change: p.Arg781=; no amino-acid change (arginine 781 retained).
Molecular consequence: synonymous variant.
Genome position (GRCh38, 1-based): chr17:67,893,657, A>G. VCF-style: chr17-67893657-A-G. GRCh37 (hg19) VCF-style: chr17-65889773-A-G.
Other names: c.2532A>G, p.Arg844= (NM_001439139.1, NM_001439141.1, NM_001439143.1 and 1 more transcripts); c.2721A>G, p.Arg907= (NM_001439140.1, NM_001439142.1, NM_004459.7).
Identifiers: ClinVar variation 4979524 (VCV004979524.1).